The following is an entry in ClinVar:

NM_001069.3(TUBB2A):c.1054G>T (p.Ala352Ser)

Gene: TUBB2A (tubulin beta 2A class IIa; minus strand). Cytogenetic location: 6p25.2.
Variant type: single nucleotide variant.
Coding change: c.1054G>T on transcript NM_001069.3 (MANE Select); coding-DNA position 1054, G replaced by T.
Protein change: p.Ala352Ser; replaces alanine 352 with serine.
Molecular consequence: missense variant.
Genome position (GRCh38, 1-based): chr6:3,154,147, C>A on the plus strand (G>T on the coding strand, the complement: TUBB2A is on the minus strand). VCF-style: chr6-3154147-C-A. GRCh37 (hg19) VCF-style: chr6-3154381-C-A.
Other names: c.799G>T, p.Ala267Ser (NM_001310315.2); short protein forms A267S, A352S.
Identifiers: ClinVar variation 3067582 (VCV003067582.21), dbSNP rs2113785097, ClinGen allele CA362591336.

ClinVar aggregate classification (germline): Uncertain significance (1 of 4 stars; one submission).

Submission:

CeGaT Center for Human Genetics Tuebingen
Classification: Uncertain significance. Last evaluated: 2024-03-01. Review status: criteria provided, single submitter. Criteria: CeGaT Center For Human Genetics Tuebingen Variant Classification Criteria Version 2. Collection method: clinical testing. Allele origin: germline. Affected: yes. Observed: 1 variant allele.
Comment: TUBB2A: PM2, PS2:Moderate, PP2